The following is an entry in ClinVar:

ClinVar aggregate classification (germline): Likely pathogenic (1 of 4 stars; one submission).

Conditions:
Severe combined immunodeficiency disease. Also called: Severe combined immunodeficiency; Severe Combined Immune Deficiency. Identifiers: Orphanet 183660, MedGen C0085110, MeSH D016511, MONDO:0015974, HP:0004430. Inheritance: X-Linked or Autosomal recessive.

Submission:

Women's Health and Genetics/Laboratory Corporation of America, LabCorp
Classification: Likely pathogenic for Severe combined immunodeficiency disease. Last evaluated: 2024-07-30. Review status: criteria provided, single submitter. Criteria: LabCorp Variant Classification Summary - May 2015. Collection method: clinical testing. Allele origin: germline.
Comment: Variant summary: AK2 c.523C>G (p.Arg175Gly) results in a non-conservative amino acid change located in the Adenylate kinase, active site lid domain (IPR007862) of the encoded protein sequence. Five of five in-silico tools predict a damaging effect of the variant on protein function. At-least two other putatively pathogenic variants have been reported at this codon in individuals affected with features of Reticular Dysgenesis, the most severe form of inborn severe combined immunodeficiency (SCID), supporting a critical relevance of this residue to AK2 protein function. The variant was absent in 251342 control chromosomes. c.523C>G has been reported in the literature as a biallelic compound heterozygous genotype in at-least one individual affected with Reticular Dysgenesis. To our knowledge, no experimental evidence demonstrating an impact on protein function has been reported. The following publication has been ascertained in the context of this evaluation (PMID: 34814161). ClinVar contains an entry for this variant (Variation ID: 1027587). Based on the evidence outlined above, the variant was classified as likely pathogenic.

Literature cited by the submitters: PubMed 34814161.

NM_001625.4(AK2):c.523C>G (p.Arg175Gly)

Gene: AK2 (adenylate kinase 2; minus strand). Cytogenetic location: 1p35.1.
Variant type: single nucleotide variant.
Coding change: c.523C>G on transcript NM_001625.4 (MANE Select); coding-DNA position 523, C replaced by G.
Protein change: p.Arg175Gly; replaces arginine 175 with glycine.
Molecular consequence: missense variant. On other transcripts: 3 prime UTR variant (1), non-coding transcript variant (1).
Genome position (GRCh38, 1-based): chr1:33,013,378, G>C on the plus strand (C>G on the coding strand, the complement: AK2 is on the minus strand). VCF-style: chr1-33013378-G-C. GRCh37 (hg19) VCF-style: chr1-33478979-G-C.
Other names: c.499C>G, p.Arg167Gly (NM_001199199.3); c.379C>G, p.Arg127Gly (NM_001319139.3, NM_001319140.2); c.523C>G, p.Arg175Gly (NM_001319141.3, NM_013411.5); c.397C>G, p.Arg133Gly (NM_001319142.3); c.*26C>G (NM_001319143.2); short protein forms R127G, R133G, R167G, R175G.
Identifiers: ClinVar variation 1027587 (VCV001027587.2), dbSNP rs1375379850, ClinGen allele CA339699543.